The following is an entry in ClinVar:

NM_017617.5(NOTCH1):c.5630G>A (p.Arg1877His)

Gene: NOTCH1 (notch receptor 1; minus strand). Cytogenetic location: 9q34.3.
Variant type: single nucleotide variant.
Coding change: c.5630G>A on transcript NM_017617.5 (MANE Select); coding-DNA position 5630, G replaced by A.
Protein change: p.Arg1877His; replaces arginine 1877 with histidine.
Molecular consequence: missense variant.
Genome position (GRCh38, 1-based): chr9:136,501,756, C>T on the plus strand (G>A on the coding strand, the complement: NOTCH1 is on the minus strand). VCF-style: chr9-136501756-C-T. GRCh37 (hg19) VCF-style: chr9-139396208-C-T.
Other names: short protein forms R1877H.
Identifiers: ClinVar variation 1748761 (VCV001748761.5), dbSNP rs772843787, ClinGen allele CA5340193.

ClinVar aggregate classification (germline): Uncertain significance. Review status: criteria provided, multiple submitters, no conflicts (2 of 4 stars). 2 submissions from 2 submitters: Uncertain significance (2). Last evaluated 2023-05-20.

Conditions:
Adams-Oliver syndrome 5 (AOS5). Identifiers: Orphanet 974, MedGen C4014970, MONDO:0014459, OMIM 616028.
Familial thoracic aortic aneurysm and aortic dissection (TAAD). Also called: Thoracic aortic aneurysms and dissections. Identifiers: Orphanet 91387, MedGen C4707243, MONDO:0019625.

Allele frequency attached by ClinVar (database versions not stated): gnomAD exomes below 0.00001; ExAC 0.00003.
gnomAD v4.1: 2 of 1,611,722 alleles (0.00012%); highest among the groups gnomAD compares: South Asian, 0.0011%; no homozygotes.

Submissions (2):

Labcorp Genetics (formerly Invitae), Labcorp
Classification: Uncertain significance for Adams-Oliver syndrome 5. Last evaluated: 2023-05-20. Review status: criteria provided, single submitter. Criteria: Invitae Variant Classification Sherloc (09022015). Collection method: clinical testing. Allele origin: germline.
Comment: In summary, the available evidence is currently insufficient to determine the role of this variant in disease. Therefore, it has been classified as a Variant of Uncertain Significance. Advanced modeling of protein sequence and biophysical properties (such as structural, functional, and spatial information, amino acid conservation, physicochemical variation, residue mobility, and thermodynamic stability) has been performed at Invitae for this missense variant, however the output from this modeling did not meet the statistical confidence thresholds required to predict the impact of this variant on NOTCH1 protein function. ClinVar contains an entry for this variant (Variation ID: 1748761). This variant has not been reported in the literature in individuals affected with NOTCH1-related conditions. This variant is present in population databases (rs772843787, gnomAD 0.003%). This sequence change replaces arginine, which is basic and polar, with histidine, which is basic and polar, at codon 1877 of the NOTCH1 protein (p.Arg1877His).

Ambry Genetics
Classification: Uncertain significance for Familial thoracic aortic aneurysm and aortic dissection. Last evaluated: 2022-05-02. Review status: criteria provided, single submitter. Criteria: Ambry Variant Classification Scheme 2023. Collection method: clinical testing. Allele origin: germline.
Comment: The p.R1877H variant (also known as c.5630G>A), located in coding exon 30 of the NOTCH1 gene, results from a G to A substitution at nucleotide position 5630. The arginine at codon 1877 is replaced by histidine, an amino acid with highly similar properties. This amino acid position is conserved. In addition, the in silico prediction for this alteration is inconclusive. Since supporting evidence is limited at this time, the clinical significance of this alteration remains unclear.